The following is an entry in ClinVar:

ClinVar aggregate classification (germline): Pathogenic/Likely pathogenic. Review status: criteria provided, multiple submitters, no conflicts (2 of 4 stars). 5 submissions from 5 submitters: Pathogenic (2); Likely pathogenic (2). 1 of the submissions does not count toward it. Last evaluated 2025-05-10.

Conditions:
TYR-related disorder. Also called: TYR-related condition.
Oculocutaneous albinism type 1A (OCA1A). Also called: Albinism, oculocutaneous, type IA. Identifiers: Orphanet 352731, Orphanet 79431, MedGen C4551504, MONDO:0008745, OMIM 203100. Disease mechanism: loss of function.
Oculocutaneous albinism type 1B (OCA1B). Also called: ALBINISM, OCULOCUTANEOUS, TYPE IB; ALBINISM, YELLOW MUTANT TYPE; YELLOW ALBINISM. Identifiers: Orphanet 352731, Orphanet 352737, Orphanet 79434, MedGen C1847024, MONDO:0011749, OMIM 606952.

Allele frequency attached by ClinVar (database versions not stated): gnomAD exomes below 0.00001 and 0.00004; TOPMed below 0.00001; ExAC 0.00001.
gnomAD v4.1: 57 of 1,612,572 alleles (0.0035%); highest among the groups gnomAD compares: Non-Finnish European, 0.0048%; no homozygotes.

Submissions (5):

Clinical Genomics Laboratory, Washington University in St. Louis
Classification: Likely pathogenic for Oculocutaneous albinism type 1A; Oculocutaneous albinism type 1B. Last evaluated: 2025-05-10. Review status: criteria provided, single submitter. Criteria: ACMG Guidelines, 2015. Collection method: clinical testing. Allele origin: germline. Affected: yes.
Comment: The TYR c.661G>A (p.Glu221Lys) variant has been reported in two individuals affected by oculocutaneous albinism, who were compound heterozygous for the variant and a pathogenic or likely pathogenic variant confirmed in trans (Gao J et al., PMID: 28451379; King RA et al., PMID: 13680365). This variant has been reported in the ClinVar database as a likely pathogenic variant by two submitters and as a pathogenic variant by one submitter (Variation ID: 212524). This variant is observed in 1 out of 250,632 alleles in the general population (gnomAD v.2.1.1), indicating that it is not a common variant. Computational predictors indicate that the variant is damaging, providing evidence that correlates with an impact on TYR function. Based on available information and the ACMG/AMP guidelines for variant interpretation (Richards S et al., PMID: 25741868), this variant is classified as likely pathogenic.

Blueprint Genetics
Classification: Pathogenic for TYR-related disorders. Last evaluated: 2023-11-09. Review status: criteria provided, single submitter. Criteria: ACMG Guidelines, 2015. Collection method: clinical testing. Allele origin: germline. Affected: yes. Observed: 3 variant alleles.

Genome-Nilou Lab
Classification: Likely pathogenic for Oculocutaneous albinism type 1A. Last evaluated: 2021-07-22. Review status: criteria provided, single submitter. Criteria: ACMG Guidelines, 2015. Collection method: clinical testing. Allele origin: germline. Affected: no.

Genetic Services Laboratory, University of Chicago
Classification: Pathogenic for Albinism, oculocutaneous, type IA. Last evaluated: 2015-05-15. Review status: criteria provided, single submitter. Criteria: ACMG Guidelines, 2015. Collection method: clinical testing. Allele origin: germline. Affected: yes.

PreventionGenetics, part of Exact Sciences
Classification: Likely pathogenic for TYR-related condition. Last evaluated: 2024-07-30. Review status: no assertion criteria provided. Collection method: clinical testing. Allele origin: germline. Not counted in ClinVar's aggregate classification.
Comment: The TYR c.661G>A variant is predicted to result in the amino acid substitution p.Glu221Lys. This variant has been reported in the compound heterozygous state in individuals with oculocutaneous albinism (King et al. 2003. PubMed ID: 13680365; Gao et al. 2017. PubMed ID: 28451379). This variant is reported in 0.00088% of alleles in individuals of European (Non-Finnish) descent in gnomAD. Given the evidence, we interpret this variant as likely pathogenic.

NM_000372.5(TYR):c.661G>A (p.Glu221Lys)

Gene: TYR (tyrosinase; plus strand). Cytogenetic location: 11q14.3.
Variant type: single nucleotide variant.
Coding change: c.661G>A on transcript NM_000372.5 (MANE Select); coding-DNA position 661, G replaced by A.
Protein change: p.Glu221Lys; replaces glutamic acid 221 with lysine.
Molecular consequence: missense variant.
Genome position (GRCh38, 1-based): chr11:89,178,614, G>A. VCF-style: chr11-89178614-G-A. GRCh37 (hg19) VCF-style: chr11-88911782-G-A.
Other names: short protein forms E221K.
Identifiers: ClinVar variation 212524 (VCV000212524.12), dbSNP rs758115945, ClinGen allele CA277201.